The following is an entry in ClinVar:

ClinVar aggregate classification (germline): Uncertain significance (1 of 4 stars; one submission).

Submission:

Mayo Clinic Laboratories, Mayo Clinic
Classification: Uncertain significance. Last evaluated: 2025-06-10. Review status: criteria provided, single submitter. Criteria: ACMG Guidelines, 2015. Collection method: clinical testing. Allele origin: germline. Observed: 1 variant allele.
Comment: PP3_moderate, PM2_supporting

NM_000037.4(ANK1):c.3422T>C (p.Phe1141Ser)

Gene: ANK1 (ankyrin 1; minus strand). Cytogenetic location: 8p11.21.
Variant type: single nucleotide variant.
Coding change: c.3422T>C on transcript NM_000037.4 (MANE Select); coding-DNA position 3422, T replaced by C.
Protein change: p.Phe1141Ser; replaces phenylalanine 1141 with serine.
Molecular consequence: missense variant.
Genome position (GRCh38, 1-based): chr8:41,694,008, A>G on the plus strand (T>C on the coding strand, the complement: ANK1 is on the minus strand). VCF-style: chr8-41694008-A-G. GRCh37 (hg19) VCF-style: chr8-41551526-A-G.
Other names: p.Phe1141Ser; c.3545T>C, p.Phe1182Ser (NM_001142446.2); c.3422T>C, p.Phe1141Ser (NM_020475.3, NM_020476.3, NM_020477.3); short protein forms F1141S, F1182S.
Identifiers: ClinVar variation 4541360 (VCV004541360.1).